The following is an entry in ClinVar:

ClinVar aggregate classification (germline): Benign (1 of 4 stars; one submission).

Allele frequency attached by ClinVar (database versions not stated): gnomAD 0.04720 and 0.04833; TOPMed 0.04958; 1000 Genomes Project 30x 0.05606; 1000 Genomes Project 0.05711.
gnomAD v4.1: 7,346 of 152,052 alleles (4.8%); highest among the groups gnomAD compares: East Asian, 8.9%; 217 homozygotes.

Submission:

GeneDx
Classification: Benign. Last evaluated: 2018-06-16. Review status: criteria provided, single submitter. Criteria: GeneDx Variant Classification (06012015). Collection method: clinical testing. Allele origin: germline. Affected: yes.
Comment: This variant is considered likely benign or benign based on one or more of the following criteria: it is a conservative change, it occurs at a poorly conserved position in the protein, it is predicted to be benign by multiple in silico algorithms, and/or has population frequency not consistent with disease.

NM_005592.4(MUSK):c.207-319G>A

Gene: MUSK (muscle associated receptor tyrosine kinase; plus strand). Cytogenetic location: 9q31.3.
Variant type: single nucleotide variant.
Coding change: c.207-319G>A on transcript NM_005592.4 (MANE Select); 319 bases into the intron before coding-DNA position 207, G replaced by A.
Molecular consequence: intron variant.
Genome position (GRCh38, 1-based): chr9:110,686,798, G>A. VCF-style: chr9-110686798-G-A. GRCh37 (hg19) VCF-style: chr9-113449078-G-A.
Other names: c.207-319G>A (NM_001166280.2, NM_001166281.2).
Identifiers: ClinVar variation 673467 (VCV000673467.1), dbSNP rs71501642, ClinGen allele CA198337144.